The following is an entry in ClinVar:

NM_000293.3(PHKB):c.93del (p.Ser34fs)

Gene: PHKB (phosphorylase kinase regulatory subunit beta; plus strand). Cytogenetic location: 16q12.1.
Variant type: Deletion.
Coding change: c.93del on transcript NM_000293.3 (MANE Select); coding-DNA position 93, one base deleted (T; older notation c.93delT).
Protein change: p.Ser34fs; shifts the reading frame from serine 34.
Molecular consequence: frameshift variant.
Genome position (GRCh38, 1-based): chr16:47,497,415, T deleted. VCF-style (leftmost placement, unchanged base first): chr16-47497414-CT-C. GRCh37 (hg19) VCF-style: chr16-47531325-CT-C.
Other names: c.72del, p.Ser27fs (NM_001031835.3); c.93del, p.Ser34fs (NM_001363837.1); short protein forms S27fs, S34fs.
Identifiers: ClinVar variation 2841102 (VCV002841102.3), dbSNP rs2548334863, ClinGen allele CA2739266746.
Genomic context (GRCh38, chr16:47,497,414, plus strand): 5'-TTGTGAAAATGACTGAATTTGATGGGTTTTTATTTTTTCTTTTAGGCTCAGTTTATGAAC[CT>C]CTTAAAAGCATTAATCTTCCAAGACCTGATAATGAAACTCTCTGGGATAAGTTGGACCAT-3'

ClinVar aggregate classification (germline): Pathogenic (1 of 4 stars; one submission).

Conditions:
Glycogen storage disease IXb (GSD9B). Also called: GLYCOGENOSIS OF LIVER AND MUSCLE, AUTOSOMAL RECESSIVE; GSD IXb; PHOSPHORYLASE KINASE DEFICIENCY OF LIVER AND MUSCLE, AUTOSOMAL RECESSIVE. Identifiers: Orphanet 79240, MedGen C0543514, MONDO:0009868, OMIM 261750.

Submission:

Labcorp Genetics (formerly Invitae), Labcorp
Classification: Pathogenic for Glycogen storage disease IXb. Last evaluated: 2023-02-26. Review status: criteria provided, single submitter. Criteria: Invitae Variant Classification Sherloc (09022015). Collection method: clinical testing. Allele origin: germline.
Comment: For these reasons, this variant has been classified as Pathogenic. This variant has not been reported in the literature in individuals affected with PHKB-related conditions. This variant is not present in population databases (gnomAD no frequency). This sequence change creates a premature translational stop signal (p.Ser34Alafs*86) in the PHKB gene. It is expected to result in an absent or disrupted protein product. Loss-of-function variants in PHKB are known to be pathogenic (PMID: 9215682, 9326319).

Literature cited by the submitters: PubMed 9215682; PubMed 9326319.